The following is an entry in ClinVar:

NM_000079.4(CHRNA1):c.191A>C (p.Asp64Ala)

Gene: CHRNA1 (cholinergic receptor nicotinic alpha 1 subunit; minus strand). Cytogenetic location: 2q31.1.
Variant type: single nucleotide variant.
Coding change: c.191A>C on transcript NM_000079.4 (MANE Select); coding-DNA position 191, A replaced by C.
Protein change: p.Asp64Ala; replaces aspartic acid 64 with alanine.
Molecular consequence: missense variant.
Genome position (GRCh38, 1-based): chr2:174,759,374, T>G on the plus strand (A>C on the coding strand, the complement: CHRNA1 is on the minus strand). VCF-style: chr2-174759374-T-G. GRCh37 (hg19) VCF-style: chr2-175624102-T-G.
Other names: c.191A>C, p.Asp64Ala (NM_001039523.3); short protein forms D64A.
Identifiers: ClinVar variation 1802258 (VCV001802258.3), dbSNP rs2468902402, ClinGen allele CA349344242.

ClinVar aggregate classification (germline): Uncertain significance (1 of 4 stars; one submission).

Conditions:
Lethal multiple pterygium syndrome (LMPS). Identifiers: Orphanet 33108, MedGen C1854678, MONDO:0009668, OMIM 253290.
Myasthenic syndrome, congenital, 1B, fast-channel. Also called: Fast-Channel Congenital Myasthenia Syndrome. Identifiers: Orphanet 590, MedGen C4225405, MONDO:0012156, OMIM 608930.
Myasthenic syndrome, congenital, 1A, slow-channel. Also called: CMS IIa; MYASTHENIC SYNDROME, CONGENITAL, TYPE IIa; Congenital myasthenic syndrome 1A. Identifiers: MedGen C2931107, MONDO:0011088, OMIM 601462.

Submission:

Diagnostics Services (NGS), CSIR - Centre For Cellular And Molecular Biology
Classification: Uncertain significance for Myasthenic syndrome, congenital, 1A, slow-channel; Myasthenic syndrome, congenital, 1B, fast-channel; Lethal multiple pterygium syndrome. Last evaluated: 2022-09-29. Review status: criteria provided, single submitter. Criteria: ACMG Guidelines, 2015. Collection method: clinical testing. Allele origin: unknown. Affected: yes. Observed: 1 variant allele, 1 heterozygote.
Comment: The c.191A>C is not present in publicly available population databases like 1000 Genomes, EVS, ExAC, gnomAD, Indian Exome Database or our in-house exome database. The variant has neither been published in literature nor reported to clinical databases like ClinVar, Human Genome Mutation Database (HGMD) and/or OMIM. In silico pathogenicity programs like SIFT, PolyPhen-2, MutationTaster2, CADD etc. predicted this variant to be likely deleterious. The variant is located near the exon/intron splice junction (splice distance 2 bp) and is likely to affect splicing, however these predictions were not confirmed by any published functional/translational studies.